The following is an entry in ClinVar:

ClinVar aggregate classification (germline): Uncertain significance (1 of 4 stars; one submission).

Allele frequency attached by ClinVar (database versions not stated): gnomAD exomes below 0.00001; ExAC 0.00002; TOPMed 0.00002; gnomAD 0.00003; 1000 Genomes Project 0.00020; 1000 Genomes Project 30x 0.00031.
gnomAD v4.1: 8 of 1,614,070 alleles (0.0005%); highest among the groups gnomAD compares: African/African-American, 0.0093%; no homozygotes.

Submission:

Labcorp Genetics (formerly Invitae), Labcorp
Classification: Uncertain significance. Last evaluated: 2024-02-12. Review status: criteria provided, single submitter. Criteria: Invitae Variant Classification Sherloc (09022015). Collection method: clinical testing. Allele origin: germline.
Comment: This sequence change replaces proline, which is neutral and non-polar, with leucine, which is neutral and non-polar, at codon 3024 of the DMXL2 protein (p.Pro3024Leu). This variant is present in population databases (rs567493965, gnomAD 0.02%). This variant has not been reported in the literature in individuals affected with DMXL2-related conditions. ClinVar contains an entry for this variant (Variation ID: 1903118). An algorithm developed to predict the effect of missense changes on protein structure and function (PolyPhen-2) suggests that this variant is likely to be disruptive. In summary, the available evidence is currently insufficient to determine the role of this variant in disease. Therefore, it has been classified as a Variant of Uncertain Significance.

NM_001378457.1(DMXL2):c.9134C>T (p.Pro3045Leu)

Gene: DMXL2 (Dmx like 2; minus strand). Cytogenetic location: 15q21.2.
Variant type: single nucleotide variant.
Coding change: c.9134C>T on transcript NM_001378457.1 (MANE Select); coding-DNA position 9134, C replaced by T.
Protein change: p.Pro3045Leu; replaces proline 3045 with leucine.
Molecular consequence: missense variant. On other transcripts: non-coding transcript variant (2).
Genome position (GRCh38, 1-based): chr15:51,449,027, G>A on the plus strand (C>T on the coding strand, the complement: DMXL2 is on the minus strand). VCF-style: chr15-51449027-G-A. GRCh37 (hg19) VCF-style: chr15-51741224-G-A.
Other names: c.9071C>T, p.Pro3024Leu (NM_001174116.3); c.7160C>T, p.Pro2387Leu (NM_001174117.3); c.9131C>T, p.Pro3044Leu (NM_001378458.1); c.8846C>T, p.Pro2949Leu (NM_001378459.1); c.7049C>T, p.Pro2350Leu (NM_001378460.1); c.9068C>T, p.Pro3023Leu (NM_015263.5); short protein forms P2387L, P3045L, P3024L, P2350L, P3044L, P2949L, P3023L.
Identifiers: ClinVar variation 1903118 (VCV001903118.5), dbSNP rs567493965, ClinGen allele CA7560816.
Genomic context (GRCh38, chr15:51,449,027, plus strand): 5'-AAATAAAACCCCAATCTTTATAGAATGTCAAGAATTCTGTTAGGGATGTTAAAAGCATTG[G>A]GCAAAACCCTGGTTTTCAGCGTGCCATCTGCACCACAGGAGAAGAGCCGATTGCCCTGGA-3'
Protein context (NP_001365386.1, residues 3035-3055): ADGTLKTRVL[Pro3045Leu]NAFNIPNRIL